The following is an entry in ClinVar:

NM_000264.5(PTCH1):c.4001G>A (p.Ser1334Asn)

Gene: PTCH1 (patched 1; minus strand). Cytogenetic location: 9q22.32.
Variant type: single nucleotide variant.
Coding change: c.4001G>A on transcript NM_000264.5 (MANE Select); coding-DNA position 4001, G replaced by A.
Protein change: p.Ser1334Asn; replaces serine 1334 with asparagine.
Molecular consequence: missense variant. On other transcripts: non-coding transcript variant (1).
Genome position (GRCh38, 1-based): chr9:95,447,255, C>T on the plus strand (G>A on the coding strand, the complement: PTCH1 is on the minus strand). VCF-style: chr9-95447255-C-T. GRCh37 (hg19) VCF-style: chr9-98209537-C-T.
Other names: c.3803G>A, p.Ser1268Asn (NM_001083602.3); c.3998G>A, p.Ser1333Asn (NM_001083603.3); c.3548G>A, p.Ser1183Asn (NM_001083604.3, NM_001083605.3, NM_001083606.3 and 1 more transcripts); c.3845G>A, p.Ser1282Asn (NM_001354918.2); short protein forms S1268N, S1334N, S1333N, S1282N, S1183N.
Identifiers: ClinVar variation 188130 (VCV000188130.24), dbSNP rs200620662, ClinGen allele CA334117.
Genomic context (GRCh38, chr9:95,447,255, plus strand): 5'-GACGCTGGGTTCCGAGGGTTGTGAGAACGGGCCCCGCGAGGGCCCCAGCGGGCCCTATTG[C>T]TAGGGCCAGAATGCCCTTCAGTAGAAATTTCAAAAGCGTCTCTGCGCGGTCTGTAGGGGG-3'
Protein context (NP_000255.2, residues 1324-1344): EISTEGHSGP[Ser1334Asn]NRARWGPRGA

ClinVar aggregate classification (germline): Conflicting classifications of pathogenicity. Review status: criteria provided, conflicting classifications (1 of 4 stars). 6 submissions from 6 submitters: Uncertain significance (1); Likely benign (5). Last evaluated 2026-01-27.

Conditions:
Hereditary cancer-predisposing syndrome. Also called: Neoplastic Syndromes, Hereditary; Tumor predisposition; Hereditary neoplastic syndrome; Hereditary Cancer Syndrome. Identifiers: Orphanet 140162, MedGen C0027672, MeSH D009386, MONDO:0015356.
Basal cell carcinoma, susceptibility to, 1. Also called: BCC1. Identifiers: MedGen C2751544, MONDO:0011556, OMIM 605462.
Gorlin syndrome. Also called: Basal cell nevus syndrome; Nevoid Basal Cell Carcinoma Syndrome. Identifiers: Orphanet 377, MedGen C0004779, MONDO:0007187.
Holoprosencephaly 7 (HPE7). Identifiers: Orphanet 2162, MedGen C1835820, MONDO:0012562, OMIM 610828.
PTCH1-related disorder. Also called: PTCH1-related disorders; PTCH1-related condition.

Allele frequency attached by ClinVar (database versions not stated): ExAC 0.00003; gnomAD exomes 0.00009 and 0.00016; TOPMed 0.00014; gnomAD 0.00016.
gnomAD v4.1: 272 of 1,612,824 alleles (0.017%); highest among the groups gnomAD compares: Non-Finnish European, 0.021%; no homozygotes.

Submissions (6):

Labcorp Genetics (formerly Invitae), Labcorp
Classification: Likely benign for Gorlin syndrome. Last evaluated: 2026-01-27. Review status: criteria provided, single submitter. Criteria: Invitae Variant Classification Sherloc (09022015). Collection method: clinical testing. Allele origin: germline.

PreventionGenetics, part of Exact Sciences
Classification: Likely benign for PTCH1-related condition. Last evaluated: 2025-07-28. Review status: criteria provided, single submitter. Criteria: ACMG Guidelines, 2015. Collection method: clinical testing. Allele origin: germline.
Comment: This variant is classified as likely benign based on ACMG/AMP sequence variant interpretation guidelines (Richards et al. 2015 PMID: 25741868, with internal and published modifications).

Center for Genomic Medicine, Rigshospitalet, Copenhagen University Hospital
Classification: Uncertain significance. Last evaluated: 2025-03-04. Review status: criteria provided, single submitter. Criteria: ACMG Guidelines, 2015. Collection method: clinical testing. Allele origin: germline.
Comment: Classification criteria: BP4

Fulgent Genetics
Classification: Likely benign for Basal cell nevus syndrome 1; Basal cell carcinoma, susceptibility to, 1; Holoprosencephaly 7. Last evaluated: 2021-09-02. Review status: criteria provided, single submitter. Criteria: ACMG Guidelines, 2015. Collection method: clinical testing. Allele origin: unknown.

GeneDx
Classification: Likely benign. Last evaluated: 2020-06-05. Review status: criteria provided, single submitter. Criteria: GeneDx Variant Classification Process June 2021. Collection method: clinical testing. Allele origin: germline. Affected: yes.
Comment: In silico analysis supports that this missense variant does not alter protein structure/function; Has not been previously published as pathogenic or benign to our knowledge

Ambry Genetics
Classification: Likely benign for Hereditary cancer-predisposing syndrome. Last evaluated: 2019-03-25. Review status: criteria provided, single submitter. Criteria: Ambry Variant Classification Scheme 2023. Collection method: clinical testing. Allele origin: germline.